The following is an entry in ClinVar:

NM_007294.4(BRCA1):c.103G>T (p.Val35Phe)

Gene: BRCA1 (BRCA1 DNA repair associated; minus strand). Cytogenetic location: 17q21.31.
Variant type: single nucleotide variant.
Coding change: c.103G>T on transcript NM_007294.4 (MANE Select); coding-DNA position 103, G replaced by T.
Protein change: p.Val35Phe; replaces valine 35 with phenylalanine.
Molecular consequence: missense variant. On other transcripts: non-coding transcript variant (1), intron variant (1).
Genome position (GRCh38, 1-based): chr17:43,115,757, C>A on the plus strand (G>T on the coding strand, the complement: BRCA1 is on the minus strand). VCF-style: chr17-43115757-C-A. GRCh37 (hg19) VCF-style: chr17-41267774-C-A.
Other names: c.-86G>T (NM_001407571.1, NM_001407853.1, NM_001407879.1 and 52 more transcripts); c.103G>T, p.Val35Phe (NM_001407581.1, NM_001407582.1, NM_001407583.1 and 192 more transcripts); c.-155G>T (NM_001407694.1, NM_001407696.1, NM_001407724.1 and 13 more transcripts); c.-159G>T (NM_001407695.1, NM_001408465.1); c.-39G>T (NM_001407697.1, NM_001407725.1, NM_001407728.1 and 47 more transcripts); c.-35G>T (NM_001407841.1); c.-202G>T (NM_001407889.1, NM_001407900.1, NM_001408492.1); c.-201G>T (NM_001407960.1, NM_001407962.1, NM_001408510.1 and 1 more transcripts); and 2 more; short protein forms V35F.
Identifiers: ClinVar variation 252386 (VCV000252386.12), dbSNP rs879255284, ClinGen allele CA10585924.
Genomic context (GRCh38, chr17:43,115,757, plus strand): 5'-ATGGAGCCACATAACACATTCAAACTTACTTGCAAAATATGTGGTCACACTTTGTGGAGA[C>A]AGGTTCCTTGATCAACTCCAGACTAGCAGGGTAGGGGGGGAGAAAAAGAAAATAAATGAG-3'
Protein context (NP_009225.1, residues 25-45): PICLELIKEP[Val35Phe]STKCDHIFCK

ClinVar aggregate classification (germline): Uncertain significance. Review status: criteria provided, multiple submitters, no conflicts (2 of 4 stars). 4 submissions from 4 submitters: Uncertain significance (4). Last evaluated 2025-11-13.

Conditions:
Hereditary cancer-predisposing syndrome. Also called: Hereditary Cancer Syndrome; Neoplastic Syndromes, Hereditary; Hereditary neoplastic syndrome; Tumor predisposition. Identifiers: Orphanet 140162, MedGen C0027672, MeSH D009386, MONDO:0015356.
Hereditary breast ovarian cancer syndrome. Also called: Hereditary breast and ovarian cancer syndrome (HBOC); Breast and ovarian cancer; Hereditary breast and ovarian cancer syndrome; Hereditary breast and ovarian cancer; BRCA1- and BRCA2-Associated Hereditary Breast and Ovarian Cancer; Hereditary breast and/or ovarian cancer syndrome. Identifiers: Orphanet 145, MedGen C0677776, MeSH D061325, MONDO:0003582. Disease mechanism: loss of function.

Submissions (5):

Labcorp Genetics (formerly Invitae), Labcorp
Classification: Uncertain significance for Hereditary breast ovarian cancer syndrome. Last evaluated: 2025-11-13. Review status: criteria provided, single submitter. Criteria: Invitae Variant Classification Sherloc (09022015). Collection method: clinical testing. Allele origin: germline.
Comment: This sequence change replaces valine, which is neutral and non-polar, with phenylalanine, which is neutral and non-polar, at codon 35 of the BRCA1 protein (p.Val35Phe). This variant is not present in population databases (gnomAD no frequency). This missense change has been observed in individual(s) with breast cancer (PMID: 35264596). ClinVar contains an entry for this variant (Variation ID: 252386). Invitae Evidence Modeling incorporating data from in vitro experimental studies (PMID: 30209399) indicates that this missense variant is expected to disrupt BRCA1 function with a positive predictive value of 95%. In summary, the available evidence is currently insufficient to determine the role of this variant in disease. Therefore, it has been classified as a Variant of Uncertain Significance.

Quest Diagnostics Nichols Institute San Juan Capistrano
Classification: Uncertain significance. Last evaluated: 2025-01-28. Review status: criteria provided, single submitter. Criteria: Quest Diagnostics criteria. Collection method: clinical testing. Allele origin: unknown.
Comment: The BRCA1 c.103G>T (p.Val35Phe) variant has been reported in the published literature in an individual with breast cancer (PMID: 35264596 (2022)). A functional study has reported that this variant has an intermediate effect on homology directed repair (HDR) activity (PMID: 30209399 (2018)). This variant has not been reported in large, multi-ethnic general populations (Genome Aggregation Database). Analysis of this variant using bioinformatics tools for the prediction of the effect of amino acid changes on protein structure and function yielded predictions that this variant is damaging. Based on the available information, we are unable to determine the clinical significance of this variant.

Ambry Genetics
Classification: Uncertain significance for Hereditary cancer-predisposing syndrome. Last evaluated: 2022-10-03. Review status: criteria provided, single submitter. Criteria: Ambry Variant Classification Scheme 2023. Collection method: clinical testing. Allele origin: germline.
Comment: The p.V35F variant (also known as c.103G>T), located in coding exon 2 of the BRCA1 gene, results from a G to T substitution at nucleotide position 103. The valine at codon 35 is replaced by phenylalanine, an amino acid with highly similar properties. One functional study found that this nucleotide substitution has intermediate function in a high-throughput, genome editing, haploid cell survival assay (Findlay GM et al. Nature, 2018 10;562:217-222). This amino acid position is highly conserved in available vertebrate species. In addition, this alteration is predicted to be deleterious by in silico analysis. Since supporting evidence is limited at this time, the clinical significance of this alteration remains unclear.

Mendelics
Classification: Uncertain significance for Hereditary breast and ovarian cancer syndrome. Last evaluated: 2018-07-02. Review status: criteria provided, single submitter. Criteria: Mendelics Assertion Criteria 2017. Collection method: clinical testing. Allele origin: unknown.

Brotman Baty Institute, University of Washington
No classification provided (evidence only). Condition: Breast-ovarian cancer, familial 1. Review status: no classification provided. Collection method: in vitro. Allele origin: not applicable. Functional consequence: function_uncertain_variant. Not counted in ClinVar's aggregate classification.
ClinVar note: "not provided" was previously submitted as the classification for the variant. However, the classification appeared to be based only on an observation of functional data so it was converted to no classification on 2025-07-30.

Literature cited by the submitters: PubMed 35264596 (cited by Labcorp Genetics (formerly Invitae), Labcorp and Quest Diagnostics Nichols Institute San Juan Capistrano); PubMed 30209399 (cited by 3 submitters); PubMed 26295337 (cited by Quest Diagnostics Nichols Institute San Juan Capistrano).